The following is an entry in ClinVar:

NM_006206.6(PDGFRA):c.697G>C (p.Val233Leu)

Gene: PDGFRA (platelet derived growth factor receptor alpha; plus strand). Cytogenetic location: 4q12.
Variant type: single nucleotide variant.
Coding change: c.697G>C on transcript NM_006206.6 (MANE Select); coding-DNA position 697, G replaced by C.
Protein change: p.Val233Leu; replaces valine 233 with leucine.
Molecular consequence: missense variant.
Genome position (GRCh38, 1-based): chr4:54,264,987, G>C. VCF-style: chr4-54264987-G-C. GRCh37 (hg19) VCF-style: chr4-55131154-G-C.
Other names: c.697G>C, p.Val233Leu (NM_001347827.2, NM_001347829.2); c.772G>C, p.Val258Leu (NM_001347828.2); c.736G>C, p.Val246Leu (NM_001347830.2); short protein forms V246L, V233L, V258L.
Identifiers: ClinVar variation 3645148 (VCV003645148.2).

ClinVar aggregate classification (germline): Uncertain significance (1 of 4 stars; one submission).

Conditions:
Gastrointestinal stromal tumor. Also called: Gastrointestinal stromal tumor, somatic; Gastrointestinal stroma tumor. Identifiers: Orphanet 44890, MedGen C0238198, MeSH D046152, MONDO:0011719, OMIM 606764, HP:0100723.

Submission:

Labcorp Genetics (formerly Invitae), Labcorp
Classification: Uncertain significance for Gastrointestinal stromal tumor. Last evaluated: 2024-03-09. Review status: criteria provided, single submitter. Criteria: Invitae Variant Classification Sherloc (09022015). Collection method: clinical testing. Allele origin: germline.
Comment: This sequence change replaces valine, which is neutral and non-polar, with leucine, which is neutral and non-polar, at codon 233 of the PDGFRA protein (p.Val233Leu). This variant is not present in population databases (gnomAD no frequency). This variant has not been reported in the literature in individuals affected with PDGFRA-related conditions. Algorithms developed to predict the effect of missense changes on protein structure and function output the following: SIFT: "Not Available"; PolyPhen-2: "Benign"; Align-GVGD: "Not Available". The leucine amino acid residue is found in multiple mammalian species, which suggests that this missense change does not adversely affect protein function. In summary, the available evidence is currently insufficient to determine the role of this variant in disease. Therefore, it has been classified as a Variant of Uncertain Significance.